The following is an entry in ClinVar:

NM_000444.6(PHEX):c.1881G>A (p.Trp627Ter)

Genes: PHEX (phosphate regulating endopeptidase X-linked; plus strand), PTCHD1-AS (PTCHD1 and PHEX antisense RNA; minus strand). Cytogenetic location: Xp22.11.
Variant type: single nucleotide variant.
Coding change: c.1881G>A on transcript NM_000444.6 (MANE Select); coding-DNA position 1881, G replaced by A.
Protein change: p.Trp627Ter; replaces tryptophan 627 with a stop codon.
Molecular consequence: nonsense.
Genome position (GRCh38, 1-based): chrX:22,221,725, G>A. VCF-style: chrX-22221725-G-A. GRCh37 (hg19) VCF-style: chrX-22239842-G-A.
Other names: c.1881G>A, p.Trp627Ter (NM_001282754.2); short protein forms W627*.
Identifiers: ClinVar variation 853957 (VCV000853957.7), dbSNP rs1935275564, ClinGen allele CA412573883.
Genomic context (GRCh38, chrX:22,221,725, plus strand): 5'-AGAAGAAAAGTTTAAGGAAAAAACAAAATGCATGATTAACCAGTATAGCAACTATTATTG[G>A]AAGAAAGCTGGCTTAAATGTGAGTACAACTGTGGCTAAGGGGGGCACCTTGTGGTTCATT-3'

ClinVar aggregate classification (germline): Pathogenic (1 of 4 stars; one submission).

Submission:

Labcorp Genetics (formerly Invitae), Labcorp
Classification: Pathogenic. Last evaluated: 2019-03-18. Review status: criteria provided, single submitter. Criteria: Invitae Variant Classification Sherloc (09022015). Collection method: clinical testing. Allele origin: germline.
Comment: Loss-of-function variants in PHEX are known to be pathogenic (PMID: 9097956, 9106524, 19219621). This variant has not been reported in the literature in individuals with PHEX-related conditions. This variant is not present in population databases (ExAC no frequency). This sequence change creates a premature translational stop signal (p.Trp627*) in the PHEX gene. It is expected to result in an absent or disrupted protein product. For these reasons, this variant has been classified as Pathogenic.

Literature cited by the submitters: PubMed 9097956; PubMed 9106524; PubMed 19219621.